The following is an entry in ClinVar:

NM_024939.3(ESRP2):c.426C>T (p.Pro142=)

Gene: ESRP2 (epithelial splicing regulatory protein 2; minus strand). Cytogenetic location: 16q22.1.
Variant type: single nucleotide variant.
Coding change: c.426C>T on transcript NM_024939.3 (MANE Select); coding-DNA position 426, C replaced by T.
Protein change: p.Pro142=; no amino-acid change (proline 142 retained).
Molecular consequence: synonymous variant.
Genome position (GRCh38, 1-based): chr16:68,234,009, G>A on the plus strand (C>T on the coding strand, the complement: ESRP2 is on the minus strand). VCF-style: chr16-68234009-G-A. GRCh37 (hg19) VCF-style: chr16-68267912-G-A.
Other names: c.426C>T, p.Pro142= (NM_001365264.1, NM_001365265.1).
Identifiers: ClinVar variation 3044046 (VCV003044046.2), dbSNP rs145978010, ClinGen allele CA8125607.
Genomic context (GRCh38, chr16:68,234,009, plus strand): 5'-CTTACTGACCACCCCACCCCACCCGGTTTTCCTTCAGGAGCATACCTTCCTGGAGGCCTC[G>A]GGGTGCAGGACCTGTCGCAATAGCTGCTGCCCATCAGTGCAGAGCATGTAGGGGCCCCCG-3'
Protein context (NP_079215.2, residues 132-152): GQQLLRQVLH[Pro142=]EASRKNLVLP

ClinVar aggregate classification (germline): Likely benign (0 of 4 stars; one submission).

Conditions:
ESRP2-related disorder. Also called: ESRP2-related condition.

Allele frequency attached by ClinVar (database versions not stated): 1000 Genomes Project 30x 0.00031; TOPMed 0.00053; ESP Exome Variant Server 0.00062.
gnomAD v4.1: 1,205 of 1,613,964 alleles (0.075%); highest among the groups gnomAD compares: Non-Finnish European, 0.095%; 1 homozygote.

Submission:

PreventionGenetics, part of Exact Sciences
Classification: Likely benign for ESRP2-related condition. Last evaluated: 2023-05-31. Review status: no assertion criteria provided. Collection method: clinical testing. Allele origin: germline.
Comment: This variant is classified as likely benign based on ACMG/AMP sequence variant interpretation guidelines (Richards et al. 2015 PMID: 25741868, with internal and published modifications).